The following is an entry in ClinVar:

NM_000383.4(AIRE):c.340A>T (p.Lys114Ter)

Gene: AIRE (autoimmune regulator; plus strand). Cytogenetic location: 21q22.3.
Variant type: single nucleotide variant.
Coding change: c.340A>T on transcript NM_000383.4 (MANE Select); coding-DNA position 340, A replaced by T.
Protein change: p.Lys114Ter; replaces lysine 114 with a stop codon.
Molecular consequence: nonsense.
Genome position (GRCh38, 1-based): chr21:44,287,010, A>T. VCF-style: chr21-44287010-A-T. GRCh37 (hg19) VCF-style: chr21-45706893-A-T.
Other names: short protein forms K114*.
Identifiers: ClinVar variation 1458364 (VCV001458364.6), dbSNP rs2146376221, ClinGen allele CA410423642.

ClinVar aggregate classification (germline): Pathogenic (1 of 4 stars; one submission).

Conditions:
Polyglandular autoimmune syndrome, type 1 (APS1). Also called: Autoimmune polyendocrinopathy syndrome, type I; Autoimmune polyendocrinopathy syndrome , type I, with or without reversible metaphyseal dysplasia; AUTOIMMUNE POLYENDOCRINE SYNDROME, TYPE I, WITH OR WITHOUT REVERSIBLE METAPHYSEAL DYSPLASIA; APS I; PGA I; HYPOADRENOCORTICISM WITH HYPOPARATHYROIDISM AND SUPERFICIAL MONILIASIS. Identifiers: Orphanet 3453, MedGen C0085859, MONDO:0009411, OMIM 240300.

Submission:

Labcorp Genetics (formerly Invitae), Labcorp
Classification: Pathogenic for Polyglandular autoimmune syndrome, type 1. Last evaluated: 2020-12-27. Review status: criteria provided, single submitter. Criteria: Invitae Variant Classification Sherloc (09022015). Collection method: clinical testing. Allele origin: germline.
Comment: For these reasons, this variant has been classified as Pathogenic. Algorithms developed to predict the effect of sequence changes on RNA splicing suggest that this variant may create or strengthen a splice site, but this prediction has not been confirmed by published transcriptional studies. This sequence change creates a premature translational stop signal (p.Lys114*) in the AIRE gene. It is expected to result in an absent or disrupted protein product. Loss-of-function variants in AIRE are known to be pathogenic (PMID: 11524731, 26141571). This variant is not present in population databases (ExAC no frequency). This variant has not been reported in the literature in individuals with AIRE-related conditions.

Literature cited by the submitters: PubMed 11524731; PubMed 26141571.